The following is an entry in ClinVar:

NM_000057.4(BLM):c.3227A>T (p.Asp1076Val)

Gene: BLM (BLM RecQ like helicase; plus strand). Cytogenetic location: 15q26.1.
Variant type: single nucleotide variant.
Coding change: c.3227A>T on transcript NM_000057.4 (MANE Select); coding-DNA position 3227, A replaced by T.
Protein change: p.Asp1076Val; replaces aspartic acid 1076 with valine.
Molecular consequence: missense variant.
Genome position (GRCh38, 1-based): chr15:90,798,206, A>T. VCF-style: chr15-90798206-A-T. GRCh37 (hg19) VCF-style: chr15-91341436-A-T.
Other names: c.3227A>T, p.Asp1076Val (NM_001287246.2, NM_001287247.2); c.2102A>T, p.Asp701Val (NM_001287248.2); c.3227A>T (NM_000057.2); short protein forms D1076V, D701V.
Identifiers: ClinVar variation 1046395 (VCV001046395.10), dbSNP rs1897075823, ClinGen allele CA393847138.

ClinVar aggregate classification (germline): Uncertain significance. Review status: criteria provided, multiple submitters, no conflicts (2 of 4 stars). 2 submissions from 2 submitters: Uncertain significance (2). Last evaluated 2025-01-25.

Conditions:
Hereditary cancer-predisposing syndrome. Also called: Hereditary Cancer Syndrome; Tumor predisposition; Hereditary neoplastic syndrome; Neoplastic Syndromes, Hereditary. Identifiers: Orphanet 140162, MedGen C0027672, MeSH D009386, MONDO:0015356.
Bloom syndrome (BLM). Also called: Bloom-Torre-Machacek syndrome. Identifiers: Orphanet 125, MedGen C0005859, MONDO:0008876, OMIM 210900.

Submissions (2):

Ambry Genetics
Classification: Uncertain significance for Hereditary cancer-predisposing syndrome. Last evaluated: 2025-01-25. Review status: criteria provided, single submitter. Criteria: Ambry Variant Classification Scheme 2023. Collection method: clinical testing. Allele origin: germline.
Comment: The p.D1076V variant (also known as c.3227A>T), located in coding exon 16 of the BLM gene, results from an A to T substitution at nucleotide position 3227. The aspartic acid at codon 1076 is replaced by valine, an amino acid with highly dissimilar properties. This amino acid position is conserved. In addition, the in silico prediction for this alteration is inconclusive. Based on the available evidence, the clinical significance of this variant remains unclear.

Labcorp Genetics (formerly Invitae), Labcorp
Classification: Uncertain significance for Bloom syndrome. Last evaluated: 2020-05-14. Review status: criteria provided, single submitter. Criteria: Invitae Variant Classification Sherloc (09022015). Collection method: clinical testing. Allele origin: germline.
Comment: This sequence change replaces aspartic acid with valine at codon 1076 of the BLM protein (p.Asp1076Val). The aspartic acid residue is moderately conserved and there is a large physicochemical difference between aspartic acid and valine. This variant is not present in population databases (ExAC no frequency). In summary, the available evidence is currently insufficient to determine the role of this variant in disease. Therefore, it has been classified as a Variant of Uncertain Significance. Algorithms developed to predict the effect of missense changes on protein structure and function are either unavailable or do not agree on the potential impact of this missense change (SIFT: "Deleterious"; PolyPhen-2: "Probably Damaging"; Align-GVGD: "Class C0"). This variant has not been reported in the literature in individuals with BLM-related conditions.